The following is an entry in ClinVar:

NM_001903.5(CTNNA1):c.837_838delinsGC (p.Tyr280His)

Gene: CTNNA1 (catenin alpha 1; plus strand). Cytogenetic location: 5q31.2.
Variant type: Indel.
Coding change: c.837_838delinsGC on transcript NM_001903.5 (MANE Select); coding-DNA positions 837 to 838, AT replaced by GC.
Protein change: p.Tyr280His; replaces tyrosine 280 with histidine.
Molecular consequence: missense variant.
Genome position (GRCh38, 1-based): chr5:138,824,778-138,824,779, AT replaced by GC. VCF-style: chr5-138824778-AT-GC. GRCh37 (hg19) VCF-style: chr5-138160467-AT-GC.
Other names: c.837_838delinsGC, p.Tyr280His (NM_001290307.3, NM_001323982.2, NM_001323983.1 and 3 more transcripts); c.528_529delinsGC, p.Tyr177His (NM_001290309.3); c.468_469delinsGC, p.Tyr157His (NM_001290310.3); short protein forms Y157H, Y177H, Y280H.
Identifiers: ClinVar variation 1369870 (VCV001369870.8), dbSNP rs2149776716, ClinGen allele CA2573139121.

ClinVar aggregate classification (germline): Uncertain significance (1 of 4 stars; one submission).

Submission:

Labcorp Genetics (formerly Invitae), Labcorp
Classification: Uncertain significance. Last evaluated: 2021-07-26. Review status: criteria provided, single submitter. Criteria: Invitae Variant Classification Sherloc (09022015). Collection method: clinical testing. Allele origin: germline.
Comment: This sequence change replaces tyrosine with histidine at codon 280 of the CTNNA1 protein (p.Tyr280His). The tyrosine residue is moderately conserved and there is a moderate physicochemical difference between tyrosine and histidine. The frequency data for this variant in the population databases is not available, as this variant may be reported as separate entries in the ExAC database. This variant has not been reported in the literature in individuals affected with CTNNA1-related conditions. Experimental studies and prediction algorithms are not available or were not evaluated, and the functional significance of this variant is currently unknown. In summary, the available evidence is currently insufficient to determine the role of this variant in disease. Therefore, it has been classified as a Variant of Uncertain Significance.